The following is an entry in ClinVar:

ClinVar aggregate classification (germline): Uncertain significance. Review status: criteria provided, multiple submitters, no conflicts (2 of 4 stars). 2 submissions from 2 submitters: Uncertain significance (2). Last evaluated 2022-05-03.

Conditions:
Congenital stationary night blindness 1E. Also called: Night blindness, congenital stationary (complete), 1E, autosomal recessive. Identifiers: Orphanet 215, MedGen C3281215, MONDO:0013807, OMIM 614565.

Allele frequency attached by ClinVar (database versions not stated): ExAC 0.00001; gnomAD exomes 0.00001 and 0.00002; 1000 Genomes Project 30x 0.00016.
gnomAD v4.1: 9 of 1,612,192 alleles (0.00056%); highest among the groups gnomAD compares: Non-Finnish European, 0.00017%; no homozygotes.

Submissions (2):

Labcorp Genetics (formerly Invitae), Labcorp
Classification: Uncertain significance. Last evaluated: 2022-05-03. Review status: criteria provided, single submitter. Criteria: Invitae Variant Classification Sherloc (09022015). Collection method: clinical testing. Allele origin: germline.
Comment: ClinVar contains an entry for this variant (Variation ID: 891074). In summary, the available evidence is currently insufficient to determine the role of this variant in disease. Therefore, it has been classified as a Variant of Uncertain Significance. Algorithms developed to predict the effect of missense changes on protein structure and function are either unavailable or do not agree on the potential impact of this missense change (SIFT: "Deleterious"; PolyPhen-2: "Possibly Damaging"; Align-GVGD: "Class C0"). This variant has not been reported in the literature in individuals affected with GPR179-related conditions. This variant is present in population databases (rs756212907, gnomAD 0.03%). This sequence change replaces glutamic acid, which is acidic and polar, with lysine, which is basic and polar, at codon 861 of the GPR179 protein (p.Glu861Lys).

Illumina Laboratory Services, Illumina
Classification: Uncertain significance for Congenital stationary night blindness 1E. Last evaluated: 2018-01-13. Review status: criteria provided, single submitter. Criteria: ICSL Variant Classification Criteria 13 December 2019. Collection method: clinical testing. Allele origin: germline.

NM_001004334.4(GPR179):c.2581G>A (p.Glu861Lys)

Gene: GPR179 (G protein-coupled receptor 179; minus strand). Cytogenetic location: 17q12.
Variant type: single nucleotide variant.
Coding change: c.2581G>A on transcript NM_001004334.4 (MANE Select); coding-DNA position 2581, G replaced by A.
Protein change: p.Glu861Lys; replaces glutamic acid 861 with lysine.
Molecular consequence: missense variant.
Genome position (GRCh38, 1-based): chr17:38,330,988, C>T on the plus strand (G>A on the coding strand, the complement: GPR179 is on the minus strand). VCF-style: chr17-38330988-C-T. GRCh37 (hg19) VCF-style: chr17-36486871-C-T.
Other names: short protein forms E861K.
Identifiers: ClinVar variation 891074 (VCV000891074.8), dbSNP rs756212907, ClinGen allele CA290105712.
Genomic context (GRCh38, chr17:38,330,988, plus strand): 5'-TGGCCATGGCTGCCTTGGCCTTCTTCCGCTCCTCCCGCTCCTTTGCTTGCCGGTAGGTCT[C>T]CTCCAGGTAGGCCTGGCTGGCCATGAGCAAGGCCTTTTCCCTGGAGCTGGCCACACTGAG-3'
Protein context (NP_001004334.3, residues 851-871): LLMASQAYLE[Glu861Lys]TYRQAKEREE